The following is an entry in ClinVar:

ClinVar aggregate classification (germline): Conflicting classifications of pathogenicity. Review status: criteria provided, conflicting classifications (1 of 4 stars). 4 submissions from 4 submitters: Uncertain significance (3); Likely benign (1). Last evaluated 2025-09-18.

Conditions:
Hereditary cancer-predisposing syndrome. Also called: Tumor predisposition; Hereditary Cancer Syndrome; Hereditary neoplastic syndrome; Neoplastic Syndromes, Hereditary. Identifiers: Orphanet 140162, MedGen C0027672, MeSH D009386, MONDO:0015356.
Intellectual disability, autosomal dominant 16 (CSS4). Also called: COFFIN-SIRIS SYNDROME 4. Identifiers: Orphanet 1465, MedGen C3553249, MONDO:0013821, OMIM 614609.
Rhabdoid tumor predisposition syndrome 2 (RTPS2). Identifiers: Orphanet 231108, Orphanet 69077, MedGen C2750074, MONDO:0013224, OMIM 613325.
Otosclerosis 12. Identifiers: MedGen C5935610, MONDO:0968980, OMIM 620792.

Allele frequency attached by ClinVar (database versions not stated): gnomAD exomes below 0.00001.
gnomAD v4.1: 3 of 1,612,652 alleles (0.00019%); highest among the groups gnomAD compares: Non-Finnish European, 0.00025%; no homozygotes.

Submissions (4):

Ambry Genetics
Classification: Likely benign for Hereditary cancer-predisposing syndrome. Last evaluated: 2025-09-18. Review status: criteria provided, single submitter. Criteria: Ambry Variant Classification Scheme 2023. Collection method: clinical testing. Allele origin: germline.

Labcorp Genetics (formerly Invitae), Labcorp
Classification: Uncertain significance for Rhabdoid tumor predisposition syndrome 2. Last evaluated: 2024-05-08. Review status: criteria provided, single submitter. Criteria: Invitae Variant Classification Sherloc (09022015). Collection method: clinical testing. Allele origin: germline.
Comment: This sequence change replaces lysine, which is basic and polar, with arginine, which is basic and polar, at codon 1473 of the SMARCA4 protein (p.Lys1473Arg). This variant is not present in population databases (gnomAD no frequency). This variant has not been reported in the literature in individuals affected with SMARCA4-related conditions. ClinVar contains an entry for this variant (Variation ID: 486492). Advanced modeling of protein sequence and biophysical properties (such as structural, functional, and spatial information, amino acid conservation, physicochemical variation, residue mobility, and thermodynamic stability) performed at Invitae indicates that this missense variant is not expected to disrupt SMARCA4 protein function with a negative predictive value of 95%. In summary, the available evidence is currently insufficient to determine the role of this variant in disease. Therefore, it has been classified as a Variant of Uncertain Significance.

Fulgent Genetics
Classification: Uncertain significance for Rhabdoid tumor predisposition syndrome 2; Intellectual disability, autosomal dominant 16; Otosclerosis 12. Last evaluated: 2024-05-01. Review status: criteria provided, single submitter. Criteria: ACMG Guidelines, 2015. Collection method: clinical testing. Allele origin: germline.

Quest Diagnostics Nichols Institute San Juan Capistrano
Classification: Uncertain significance. Last evaluated: 2023-07-11. Review status: criteria provided, single submitter. Criteria: Quest Diagnostics criteria. Collection method: clinical testing. Allele origin: unknown.
Comment: This variant has not been reported in the published literature. It also has not been reported in large, multi-ethnic general populations (Genome Aggregation Database). Analysis of this variant using bioinformatics tools for the prediction of the effect of amino acid changes on protein structure and function yielded conflicting predictions that this variant is benign or damaging. Based on the available information, we are unable to determine the clinical significance of this variant.

NM_003072.5(SMARCA4):c.4322A>G (p.Lys1441Arg)

Gene: SMARCA4 (SWI/SNF related BAF chromatin remodeling complex subunit ATPase 4; plus strand). Cytogenetic location: 19p13.2.
Variant type: single nucleotide variant.
Coding change: c.4322A>G on transcript NM_003072.5 (MANE Select); coding-DNA position 4322, A replaced by G.
Protein change: p.Lys1441Arg; replaces lysine 1441 with arginine.
Molecular consequence: missense variant. On other transcripts: non-coding transcript variant (1).
Genome position (GRCh38, 1-based): chr19:11,041,458, A>G. VCF-style: chr19-11041458-A-G. GRCh37 (hg19) VCF-style: chr19-11152134-A-G.
Other names: c.4322A>G, p.Lys1441Arg (NM_001128844.3); c.4232A>G, p.Lys1411Arg (NM_001128845.2, NM_001128846.2); c.4223A>G, p.Lys1408Arg (NM_001128847.4, NM_001128848.2, NM_001374457.1); c.4418A>G, p.Lys1473Arg (NM_001128849.3, NM_001387283.1); c.4418A>G (NM_001128849.2); short protein forms K1473R, K1408R, K1441R, K1411R.
Identifiers: ClinVar variation 486492 (VCV000486492.13), dbSNP rs1555788304, ClinGen allele CA404073841.